The following is an entry in ClinVar:

NM_000548.5(TSC2):c.4G>T (p.Ala2Ser)

Gene: TSC2 (TSC complex subunit 2; plus strand). Cytogenetic location: 16p13.3.
Variant type: single nucleotide variant.
Coding change: c.4G>T on transcript NM_000548.5 (MANE Select); coding-DNA position 4, G replaced by T.
Protein change: p.Ala2Ser; replaces alanine 2 with serine.
Molecular consequence: missense variant. On other transcripts: 5 prime UTR variant (1), intron variant (1).
Genome position (GRCh38, 1-based): chr16:2,048,619, G>T. VCF-style: chr16-2048619-G-T. GRCh37 (hg19) VCF-style: chr16-2098620-G-T.
Other names: c.4G>T, p.Ala2Ser (NM_001077183.3, NM_001114382.3, NM_001318827.2 and 4 more transcripts); c.-223G>T (NM_001318831.2); c.37G>T, p.Ala13Ser (NM_001318832.2); c.-10+554G>T (NM_001318829.2); c.4G>T (NM_000548.3); short protein forms A2S, A13S.
Identifiers: ClinVar variation 1369100 (VCV001369100.7), dbSNP rs769400464, ClinGen allele CA053461.
Genomic context (GRCh38, chr16:2,048,619, plus strand): 5'-TGTCCCCATTCCTGTTTCGTTTGCACAGAGGGGTTTTCTGGTGCGTCCTGGTCCACCATG[G>T]CCAAACCAACAAGCAAAGATTCAGGCTTGAAGGAGAAGTTTAAGATTCTGTTGGGACTGG-3'
Protein context (NP_000539.2, residues 1-12): M[Ala2Ser]KPTSKDSGLK

ClinVar aggregate classification (germline): Conflicting classifications of pathogenicity. Review status: criteria provided, conflicting classifications (1 of 4 stars). 2 submissions from 2 submitters: Uncertain significance (1); Benign (1). Last evaluated 2026-05-13.

Conditions:
Hereditary cancer-predisposing syndrome. Also called: Neoplastic Syndromes, Hereditary; Tumor predisposition; Hereditary Cancer Syndrome; Hereditary neoplastic syndrome. Identifiers: Orphanet 140162, MedGen C0027672, MeSH D009386, MONDO:0015356.
Tuberous sclerosis 2 (TSC2). Identifiers: Orphanet 805, MedGen C1860707, MONDO:0013199, OMIM 613254.

Allele frequency attached by ClinVar (database versions not stated): gnomAD exomes below 0.00001; ExAC 0.00001.
gnomAD v4.1: 1 of 1,613,890 alleles (0.000062%); highest among the groups gnomAD compares: Non-Finnish European, 0.000085%; no homozygotes.

Submissions (2):

Ambry Genetics
Classification: Uncertain significance for Hereditary cancer-predisposing syndrome. Last evaluated: 2026-05-13. Review status: criteria provided, single submitter. Criteria: Ambry Variant Classification Scheme 2023. Collection method: clinical testing. Allele origin: germline.
Comment: The p.A2S variant (also known as c.4G>T), located in coding exon 1 of the TSC2 gene, results from a G to T substitution at nucleotide position 4. The alanine at codon 2 is replaced by serine, an amino acid with similar properties. This amino acid position is well conserved in available vertebrate species. In addition, the in silico prediction for this alteration is inconclusive. Based on the available evidence, the clinical significance of this variant remains unclear.

Labcorp Genetics (formerly Invitae), Labcorp
Classification: Benign for Tuberous sclerosis 2. Last evaluated: 2022-03-08. Review status: criteria provided, single submitter. Criteria: Invitae Variant Classification Sherloc (09022015). Collection method: clinical testing. Allele origin: germline.